The following is an entry in ClinVar:

ClinVar aggregate classification (germline): Conflicting classifications of pathogenicity. Review status: criteria provided, conflicting classifications (1 of 4 stars). 2 submissions from 2 submitters: Likely pathogenic (1); Uncertain significance (1). Last evaluated 2026-03-25.

Conditions:
Peroxisome biogenesis disorder 2B (PBD2B). Identifiers: Orphanet 44, MedGen C3550234, MONDO:0008736, OMIM 202370.

gnomAD v4.1: 10 of 1,613,586 alleles (0.00062%); highest among the groups gnomAD compares: Non-Finnish European, 0.00085%; no homozygotes.

Submissions (2):

Dasa
Classification: Uncertain significance. Last evaluated: 2026-03-25. Review status: criteria provided, single submitter. Criteria: DASA Assertion Criteria. Collection method: clinical testing. Allele origin: germline.
Comment: NM_001351132.2(PEX5):c.754-2A>C affects a canonical splice site and is predicted to disrupt normal RNA splicing. This variant is rare in population databases. The currently available literature and clinical evidence are not sufficient to establish a definitive association between this variant and the reported condition. Therefore, this variant is classified as a variant of uncertain significance.

Labcorp Genetics (formerly Invitae), Labcorp
Classification: Likely pathogenic for Peroxisome biogenesis disorder 2B. Last evaluated: 2025-02-20. Review status: criteria provided, single submitter. Criteria: Invitae Variant Classification Sherloc (09022015). Collection method: clinical testing. Allele origin: germline.
Comment: This sequence change affects an acceptor splice site in intron 8 of the PEX5 gene. It is expected to disrupt RNA splicing. Variants that disrupt the donor or acceptor splice site typically lead to a loss of protein function (PMID: 16199547), and loss-of-function variants in PEX5 are known to be pathogenic (PMID: 18712838, 21031596). This variant is not present in population databases (gnomAD no frequency). This variant has not been reported in the literature in individuals affected with PEX5-related conditions. ClinVar contains an entry for this variant (Variation ID: 2146654). Algorithms developed to predict the effect of sequence changes on RNA splicing suggest that this variant may disrupt the consensus splice site. In summary, the currently available evidence indicates that the variant is pathogenic, but additional data are needed to prove that conclusively. Therefore, this variant has been classified as Likely Pathogenic.

Literature cited by the submitters: PubMed 16199547 (cited by Labcorp Genetics (formerly Invitae), Labcorp); PubMed 18712838 (cited by Labcorp Genetics (formerly Invitae), Labcorp); PubMed 21031596 (cited by Labcorp Genetics (formerly Invitae), Labcorp).

NM_001351132.2(PEX5):c.754-2A>C

Gene: PEX5 (peroxisomal biogenesis factor 5; plus strand). Cytogenetic location: 12p13.31.
Variant type: single nucleotide variant.
Coding change: c.754-2A>C on transcript NM_001351132.2 (MANE Select); the canonical splice acceptor site of the intron before coding-DNA position 754, A replaced by C.
Molecular consequence: splice acceptor variant.
Genome position (GRCh38, 1-based): chr12:7,202,610, A>C. VCF-style: chr12-7202610-A-C. GRCh37 (hg19) VCF-style: chr12-7355206-A-C.
Other names: c.643-2A>C (NM_001351124.3, NM_001351126.2, NM_001374646.1 and 10 more transcripts); c.754-2A>C (NM_001131026.2, NM_001351131.2, NM_001374647.2 and 6 more transcripts); c.688-2A>C (NM_001351135.3, NM_001351138.2); c.799-2A>C (NM_001131023.2).
Identifiers: ClinVar variation 2146654 (VCV002146654.6), dbSNP rs1591759567, ClinGen allele CA383723806.